The following is an entry in ClinVar:

ClinVar aggregate classification (germline): Likely pathogenic (1 of 4 stars; one submission).

Conditions:
Congenital adrenal hyperplasia. Identifiers: Orphanet 418, MedGen C0001627, MONDO:0018479, HP:0008258.

Submission:

Women's Health and Genetics/Laboratory Corporation of America, LabCorp
Classification: Likely pathogenic for Congenital adrenal hyperplasia. Last evaluated: 2024-08-08. Review status: criteria provided, single submitter. Criteria: LabCorp Variant Classification Summary - May 2015. Collection method: clinical testing. Allele origin: germline.
Comment: Variant summary: The variant involves the duplication of exons 3-7 in the CYP21A2 gene. A presumed nomenclature of c.(292+1_293-1)_(939+1_940-1)dup has been designated for the purposes of this classification. It is assumed to be a tandem duplication in direct orientation (PMIDs: 25640679, 30054569). This Copy Number Variant (CNV) is expected to alter the reading frame and predicted to result in a truncation or absence of the encoded protein due to nonsense mediated decay (NMD). This duplication was not found in large population database (gnomAD Structural Variants database). Duplication of exon 3-7 has been identified in a neonate who did not show any clinical or biochemical parameters suggestive of congenital adrenal hyperplasia (Dubey et al, 2022). No submitters have cited clinical-significance assessments for this variant to ClinVar. Based on the evidence outlined above, the variant was classified as likely pathogenic.

NC_000006.11:g.(32006589_32006870)_(32007983_32008182)dup

Gene: CYP21A2 (cytochrome P450 family 21 subfamily A member 2; plus strand). Cytogenetic location: 6p21.33.
Variant type: Duplication.
Identifiers: ClinVar variation 3366402 (VCV003366402.1).